The following is an entry in ClinVar:

NM_022369.4(STRA6):c.481del (p.Leu161fs)

Gene: STRA6 (signaling receptor and transporter of retinol STRA6; minus strand). Cytogenetic location: 15q24.1.
Variant type: Deletion.
Coding change: c.481del on transcript NM_022369.4 (MANE Select); coding-DNA position 481, one base deleted (C; older notation c.481delC).
Protein change: p.Leu161fs; shifts the reading frame from leucine 161.
Molecular consequence: frameshift variant. On other transcripts: 3 prime UTR variant (1).
Genome position (GRCh38, 1-based): chr15:74,195,418, G deleted on the plus strand (C on the coding strand, the reverse complement: STRA6 is on the minus strand). VCF-style (leftmost placement, unchanged base first): chr15-74195417-AG-A. GRCh37 (hg19) VCF-style: chr15-74487758-AG-A.
Other names: c.526del, p.Leu176fs (NM_001199041.2); c.598del, p.Leu200fs (NM_001199042.2); c.481del, p.Leu161fs (NM_001142617.2, NM_001142618.2); c.454del, p.Leu152fs (NM_001142619.2); c.*184del (NM_001142620.2); c.592del, p.Leu198fs (NM_001199040.2); short protein forms L176fs, L152fs, L161fs, L198fs, L200fs.
Identifiers: ClinVar variation 936558 (VCV000936558.8), dbSNP rs2073763723, ClinGen allele CA1139664087.

ClinVar aggregate classification (germline): Pathogenic (1 of 4 stars; one submission).

Conditions:
Microphthalmia, syndromic 9. Also called: ANOPHTHALMIA/MICROPHTHALMIA AND PULMONARY HYPOPLASIA; ANOPHTHALMIA, CLINICAL, WITH MILD FACIAL DYSMORPHISM AND VARIABLE MALFORMATIONS OF THE LUNG, HEART, AND DIAPHRAGM; PULMONARY AGENESIS, MICROPHTHALMIA, AND DIAPHRAGMATIC DEFECT; SPEAR SYNDROME; Matthew-Wood syndrome. Identifiers: Orphanet 2470, MedGen C1832661, MONDO:0011010, OMIM 601186.

Submission:

Labcorp Genetics (formerly Invitae), Labcorp
Classification: Pathogenic for Microphthalmia, syndromic 9. Last evaluated: 2019-08-30. Review status: criteria provided, single submitter. Criteria: Invitae Variant Classification Sherloc (09022015). Collection method: clinical testing. Allele origin: germline.
Comment: This variant is not present in population databases (ExAC no frequency). This sequence change creates a premature translational stop signal (p.Leu161Trpfs*59) in the STRA6 gene. It is expected to result in an absent or disrupted protein product. For these reasons, this variant has been classified as Pathogenic. Loss-of-function variants in STRA6 are known to be pathogenic (PMID: 17273977, 19309693). This variant has not been reported in the literature in individuals with STRA6-related conditions.

Literature cited by the submitters: PubMed 17273977; PubMed 19309693.